The following is an entry in ClinVar:

NM_007317.3(KIF22):c.549+8C>A

Gene: KIF22 (kinesin family member 22; plus strand). Cytogenetic location: 16p11.2.
Variant type: single nucleotide variant.
Coding change: c.549+8C>A on transcript NM_007317.3 (MANE Select); 8 bases into the intron after coding-DNA position 549, C replaced by A.
Molecular consequence: intron variant.
Genome position (GRCh38, 1-based): chr16:29,798,755, C>A. VCF-style: chr16-29798755-C-A. GRCh37 (hg19) VCF-style: chr16-29810076-C-A.
Other names: c.345+8C>A (NM_001256269.2, NM_001256270.1).
Identifiers: ClinVar variation 197289 (VCV000197289.14), dbSNP rs374331057, ClinGen allele CA245338.

ClinVar aggregate classification (germline): Conflicting classifications of pathogenicity. Review status: criteria provided, conflicting classifications (1 of 4 stars). 3 submissions from 3 submitters: Uncertain significance (1); Likely benign (2). Last evaluated 2025-09-25.

Conditions:
KIF22-related disorder. Also called: KIF22-related condition.

Allele frequency attached by ClinVar (database versions not stated): TOPMed 0.00006; gnomAD exomes 0.00009; gnomAD 0.00010 and 0.00011; ExAC 0.00011; ESP Exome Variant Server 0.00031.
gnomAD v4.1: 326 of 1,612,576 alleles (0.02%); highest among the groups gnomAD compares: Non-Finnish European, 0.027%; no homozygotes.

Submissions (3):

PreventionGenetics, part of Exact Sciences
Classification: Likely benign for KIF22-related condition. Last evaluated: 2025-09-25. Review status: criteria provided, single submitter. Criteria: ACMG Guidelines, 2015. Collection method: clinical testing. Allele origin: germline.
Comment: This variant is classified as likely benign based on ACMG/AMP sequence variant interpretation guidelines (Richards et al. 2015 PMID: 25741868, with internal and published modifications).

Labcorp Genetics (formerly Invitae), Labcorp
Classification: Likely benign. Last evaluated: 2025-09-08. Review status: criteria provided, single submitter. Criteria: Invitae Variant Classification Sherloc (09022015). Collection method: clinical testing. Allele origin: germline.

Eurofins Ntd Llc (ga)
Classification: Uncertain significance. Last evaluated: 2014-11-22. Review status: criteria provided, single submitter. Criteria: EGL Classification Definitions 2015. Collection method: clinical testing. Allele origin: germline. Observed: 1 variant allele, 1 heterozygote.